The following is an entry in ClinVar:

NM_006231.4(POLE):c.3961A>T (p.Arg1321Ter)

Gene: POLE (DNA polymerase epsilon, catalytic subunit; minus strand). Cytogenetic location: 12q24.33.
Variant type: single nucleotide variant.
Coding change: c.3961A>T on transcript NM_006231.4 (MANE Select); coding-DNA position 3961, A replaced by T.
Protein change: p.Arg1321Ter; replaces arginine 1321 with a stop codon.
Molecular consequence: nonsense.
Genome position (GRCh38, 1-based): chr12:132,649,350, T>A on the plus strand (A>T on the coding strand, the complement: POLE is on the minus strand). VCF-style: chr12-132649350-T-A. GRCh37 (hg19) VCF-style: chr12-133225936-T-A.
Other names: short protein forms R1321*.
Identifiers: ClinVar variation 4862250 (VCV004862250.1).

ClinVar aggregate classification (germline): Uncertain significance (1 of 4 stars; one submission).

Conditions:
Hereditary cancer-predisposing syndrome. Also called: Neoplastic Syndromes, Hereditary; Tumor predisposition; Hereditary Cancer Syndrome; Hereditary neoplastic syndrome. Identifiers: Orphanet 140162, MedGen C0027672, MeSH D009386, MONDO:0015356.

Submission:

Ambry Genetics
Classification: Uncertain significance for Hereditary cancer-predisposing syndrome. Last evaluated: 2026-03-24. Review status: criteria provided, single submitter. Criteria: Ambry Variant Classification Scheme 2023. Collection method: clinical testing. Allele origin: germline.
Comment: The p.R1321* variant (also known as c.3961A>T), located in coding exon 31 of the POLE gene, results from an A to T substitution at nucleotide position 3961. This changes the amino acid from an arginine to a stop codon within coding exon 31. This alteration is expected to result in loss of function by premature protein truncation or nonsense-mediated mRNA decay. Although biallelic loss of function of POLE has been associated with autosomal recessive POLE deficiency, haploinsufficiency of POLE has not been established as a mechanism of disease for POLE-related polymerase proofreading-associated polyposis (PPAP) and POLE-related CMMRD-like syndrome. Based on the supporting evidence, this variant is expected to be causative of POLE deficiency when present along with a second pathogenic variant on the other allele; however, its clinical significance for PPAP and POLE-related CMMRD-like syndrome is unclear.